The following is an entry in ClinVar:

NM_002591.4(PCK1):c.317C>T (p.Pro106Leu)

Gene: PCK1 (phosphoenolpyruvate carboxykinase 1; plus strand). Cytogenetic location: 20q13.31.
Variant type: single nucleotide variant.
Coding change: c.317C>T on transcript NM_002591.4 (MANE Select); coding-DNA position 317, C replaced by T.
Protein change: p.Pro106Leu; replaces proline 106 with leucine.
Molecular consequence: missense variant.
Genome position (GRCh38, 1-based): chr20:57,562,163, C>T. VCF-style: chr20-57562163-C-T. GRCh37 (hg19) VCF-style: chr20-56137219-C-T.
Other names: short protein forms P106L.
Identifiers: ClinVar variation 1986477 (VCV001986477.5), dbSNP rs1383834419, ClinGen allele CA409434726.
Genomic context (GRCh38, chr20:57,562,163, plus strand): 5'-CCAGGATCGAAAGCAAGACGGTTATCGTCACCCAAGAGCAAAGAGACACAGTGCCCATCC[C>T]CAAAACAGGCCTCAGCCAGCTCGGTCGCTGGATGTCAGAGGAGGATTTTGAGAAAGCGTT-3'
Protein context (NP_002582.3, residues 96-116): TQEQRDTVPI[Pro106Leu]KTGLSQLGRW

ClinVar aggregate classification (germline): Uncertain significance. Review status: criteria provided, multiple submitters, no conflicts (2 of 4 stars). 2 submissions from 2 submitters: Uncertain significance (2). Last evaluated 2022-09-13.

Conditions:
Inborn genetic diseases. Identifiers: MedGen C0950123, MeSH D030342.

Allele frequency attached by ClinVar (database versions not stated): gnomAD 0.00001; gnomAD exomes 0.00001; TOPMed 0.00001.
gnomAD v4.1: 15 of 1,614,014 alleles (0.00093%); highest among the groups gnomAD compares: Middle Eastern, 0.016%; no homozygotes.

Submissions (2):

Labcorp Genetics (formerly Invitae), Labcorp
Classification: Uncertain significance. Last evaluated: 2022-09-13. Review status: criteria provided, single submitter. Criteria: Invitae Variant Classification Sherloc (09022015). Collection method: clinical testing. Allele origin: germline.
Comment: This sequence change replaces proline, which is neutral and non-polar, with leucine, which is neutral and non-polar, at codon 106 of the PCK1 protein (p.Pro106Leu). This variant is present in population databases (no rsID available, gnomAD 0.0009%). This variant has not been reported in the literature in individuals affected with PCK1-related conditions. Algorithms developed to predict the effect of missense changes on protein structure and function are either unavailable or do not agree on the potential impact of this missense change (SIFT: "Deleterious"; PolyPhen-2: "Benign"; Align-GVGD: "Class C0"). In summary, the available evidence is currently insufficient to determine the role of this variant in disease. Therefore, it has been classified as a Variant of Uncertain Significance.

Ambry Genetics
Classification: Uncertain significance for Inborn genetic diseases. Last evaluated: 2022-01-25. Review status: criteria provided, single submitter. Criteria: Ambry Variant Classification Scheme 2023. Collection method: clinical testing. Allele origin: germline.